The following is an entry in ClinVar:

NM_080425.4(GNAS):c.1103C>G (p.Ala368Gly)

Gene: GNAS (GNAS complex locus; plus strand). Cytogenetic location: 20q13.32.
Variant type: single nucleotide variant.
Coding change: c.1103C>G on transcript NM_080425.4 (MANE Plus Clinical); coding-DNA position 1103, C replaced by G.
Protein change: p.Ala368Gly; replaces alanine 368 with glycine.
Molecular consequence: missense variant. On other transcripts: intron variant (3).
Genome position (GRCh38, 1-based): chr20:58,854,368, C>G. VCF-style: chr20-58854368-C-G. GRCh37 (hg19) VCF-style: chr20-57429423-C-G.
Other names: c.916C>G, p.Arg306Gly (NM_001077490.3, NM_001309883.1); c.1103C>G, p.Ala368Gly (NM_001410913.1); c.*42+13482C>G (NM_016592.5); c.43+13482C>G (NM_001410912.1); c.-39+12493C>G (NM_001309861.2); short protein forms A368G, R306G.
Identifiers: ClinVar variation 3349211 (VCV003349211.1).

ClinVar aggregate classification (germline): Uncertain significance (0 of 4 stars; one submission).

Conditions:
GNAS-related disorder. Identifiers: MedGen CN380105.

gnomAD v4.1: 4 of 1,573,714 alleles (0.00025%); highest among the groups gnomAD compares: Non-Finnish European, 0.00034%; no homozygotes.

Submission:

PreventionGenetics, part of Exact Sciences
Classification: Uncertain significance for GNAS-related condition. Last evaluated: 2024-09-18. Review status: no assertion criteria provided. Collection method: clinical testing. Allele origin: germline.
Comment: The GNAS c.1103C>G variant is predicted to result in the amino acid substitution p.Ala368Gly. To our knowledge, this variant has not been reported in the literature. This variant is reported in 0.0013% of alleles in individuals of European (Non-Finnish) descent in gnomAD. At this time, the clinical significance of this variant is uncertain due to the absence of conclusive functional and genetic evidence.